The following is an entry in ClinVar:

NM_000255.4(MMUT):c.878A>C (p.Gln293Pro)

Gene: MMUT (methylmalonyl-CoA mutase; minus strand). Cytogenetic location: 6p12.3.
Variant type: single nucleotide variant.
Coding change: c.878A>C on transcript NM_000255.4 (MANE Select); coding-DNA position 878, A replaced by C.
Protein change: p.Gln293Pro; replaces glutamine 293 with proline.
Molecular consequence: missense variant.
Genome position (GRCh38, 1-based): chr6:49,456,113, T>G on the plus strand (A>C on the coding strand, the complement: MMUT is on the minus strand). VCF-style: chr6-49456113-T-G. GRCh37 (hg19) VCF-style: chr6-49423826-T-G.
Other names: short protein forms Q293P.
Identifiers: ClinVar variation 3720700 (VCV003720700.1).
Genomic context (GRCh38, chr6:49,456,113, plus strand): 5'-AACAATATCTAGGTTTAATTTACTCACCTTGGTGCAAATTCATCAATTGTCAGGCCAGCC[T>G]GGAGTCCAGTTCTAGAGTACTCCAATCCATCTGCTAAAGTATAGGCCAGCTCCAGAATGG-3'
Protein context (NP_000246.2, residues 283-303): DGLEYSRTGL[Gln293Pro]AGLTIDEFAP

ClinVar aggregate classification (germline): Uncertain significance (1 of 4 stars; one submission).

gnomAD v4.1: 2 of 1,613,636 alleles (0.00012%); highest among the groups gnomAD compares: African/African-American, 0.0027%; no homozygotes.

Submission:

Labcorp Genetics (formerly Invitae), Labcorp
Classification: Uncertain significance. Last evaluated: 2024-12-12. Review status: criteria provided, single submitter. Criteria: Invitae Variant Classification Sherloc (09022015). Collection method: clinical testing. Allele origin: germline.
Comment: This sequence change replaces glutamine, which is neutral and polar, with proline, which is neutral and non-polar, at codon 293 of the MUT protein (p.Gln293Pro). This variant is not present in population databases (gnomAD no frequency). This missense change has been observed in individual(s) with methylmalonic aciduria (PMID: 15643616, 26790480; internal data). Invitae Evidence Modeling of protein sequence and biophysical properties (such as structural, functional, and spatial information, amino acid conservation, physicochemical variation, residue mobility, and thermodynamic stability) has been performed for this missense variant. However, the output from this modeling did not meet the statistical confidence thresholds required to predict the impact of this variant on MUT protein function. In summary, the available evidence is currently insufficient to determine the role of this variant in disease. Therefore, it has been classified as a Variant of Uncertain Significance.

Literature cited by the submitters: PubMed 15643616; PubMed 26790480.